The following is an entry in ClinVar:

ClinVar aggregate classification (germline): Likely benign. Review status: criteria provided, multiple submitters, no conflicts (2 of 4 stars). 4 submissions from 4 submitters: Likely benign (3). 1 of the submissions does not count toward it. Last evaluated 2026-06-04.

Conditions:
USH2A-related disorder. Also called: USH2A-related condition; USH2A-related disorders. Identifiers: MedGen CN239332.
Usher syndrome type 2A. Also called: RETINAL DISEASE IN USHER SYNDROME TYPE IIA, MODIFIER OF; USHER SYNDROME, TYPE IIA. Identifiers: Orphanet 231178, Orphanet 886, MedGen C1848634, MONDO:0010169, OMIM 276901.

Allele frequency attached by ClinVar (database versions not stated): gnomAD 0.00001; gnomAD exomes 0.00002 and 0.00004; TOPMed 0.00003; ExAC 0.00004.
gnomAD v4.1: 16 of 1,613,924 alleles (0.00099%); highest among the groups gnomAD compares: Admixed American, 0.027%; no homozygotes.

Submissions (4):

PreventionGenetics, part of Exact Sciences
Classification: Likely benign for USH2A-related condition. Last evaluated: 2026-06-04. Review status: criteria provided, single submitter. Criteria: ACMG Guidelines, 2015. Collection method: clinical testing. Allele origin: germline.
Comment: This variant is classified as likely benign based on ACMG/AMP sequence variant interpretation guidelines (Richards et al. 2015 PMID: 25741868, with internal and published modifications).

Labcorp Genetics (formerly Invitae), Labcorp
Classification: Likely benign. Last evaluated: 2025-12-22. Review status: criteria provided, single submitter. Criteria: Invitae Variant Classification Sherloc (09022015). Collection method: clinical testing. Allele origin: germline.

Blueprint Genetics
Classification: Likely benign. Last evaluated: 2021-11-06. Review status: criteria provided, single submitter. Criteria: ACMG Guidelines, 2015. Collection method: clinical testing. Allele origin: germline.

Natera, Inc.
Classification: Likely benign for Usher syndrome type 2A. Last evaluated: 2020-09-16. Review status: no assertion criteria provided. Collection method: clinical testing. Allele origin: germline. Not counted in ClinVar's aggregate classification.

NM_206933.4(USH2A):c.12369T>C (p.Asp4123=)

Gene: USH2A (usherin; minus strand). Cytogenetic location: 1q41.
Variant type: single nucleotide variant.
Coding change: c.12369T>C on transcript NM_206933.4 (MANE Select); coding-DNA position 12369, T replaced by C.
Protein change: p.Asp4123=; no amino-acid change (aspartic acid 4123 retained).
Molecular consequence: synonymous variant.
Genome position (GRCh38, 1-based): chr1:215,675,542, A>G on the plus strand (T>C on the coding strand, the complement: USH2A is on the minus strand). VCF-style: chr1-215675542-A-G. GRCh37 (hg19) VCF-style: chr1-215848884-A-G.
Identifiers: ClinVar variation 752890 (VCV000752890.13), dbSNP rs779194517, ClinGen allele CA1393479.
Genomic context (GRCh38, chr1:215,675,542, plus strand): 5'-CGAGTGTGCACAACCTGCTCTGGTGCAGGCCTCCAGGGTCAGTGTGTAGAGAGTGAAAGG[A>G]TCCAGGCGGCGGAAGAGAAACTGACGATTCAAACCAGAGTACTCCAGGAACCCGTCACTG-3'
Protein context (NP_996816.3, residues 4113-4133): LNRQFLFRRL[Asp4123=]PFTLYTLTLE